The following is an entry in ClinVar:

ClinVar aggregate classification (germline): Uncertain significance (1 of 4 stars; one submission).

Conditions:
ITPR1-related disorder. Also called: ITPR1-related condition.

gnomAD v4.1: 1 of 1,614,034 alleles (0.000062%); highest among the groups gnomAD compares: South Asian, 0.0011%; no homozygotes.

Submission:

PreventionGenetics, part of Exact Sciences
Classification: Uncertain significance for ITPR1-related condition. Last evaluated: 2025-06-26. Review status: criteria provided, single submitter. Criteria: ACMG Guidelines, 2015. Collection method: clinical testing. Allele origin: germline.
Comment: The ITPR1 c.7034T>C variant is predicted to result in the amino acid substitution p.Val2345Ala. To our knowledge, this variant has not been reported in the literature or in a large population database (gnomAD), indicating this variant is rare. At this time, the clinical significance of this variant is uncertain due to the absence of conclusive functional and genetic evidence.

NM_001378452.1(ITPR1):c.7223T>C (p.Val2408Ala)

Gene: ITPR1 (inositol 1,4,5-trisphosphate receptor type 1; plus strand). Cytogenetic location: 3p26.1.
Variant type: single nucleotide variant.
Coding change: c.7223T>C on transcript NM_001378452.1 (MANE Select); coding-DNA position 7223, T replaced by C.
Protein change: p.Val2408Ala; replaces valine 2408 with alanine.
Molecular consequence: missense variant.
Genome position (GRCh38, 1-based): chr3:4,806,218, T>C. VCF-style: chr3-4806218-T-C. GRCh37 (hg19) VCF-style: chr3-4847902-T-C.
Other names: c.7079T>C, p.Val2360Ala (NM_001099952.4); c.7178T>C, p.Val2393Ala (NM_001168272.2); c.7034T>C, p.Val2345Ala (NM_002222.7); short protein forms V2345A, V2393A, V2408A, V2360A.
Identifiers: ClinVar variation 4977846 (VCV004977846.1).